The following is an entry in ClinVar:

NM_001393769.1(MED12L):c.5562G>A (p.Gln1854=)

Gene: MED12L (mediator complex subunit 12L; plus strand). Cytogenetic location: 3q25.1.
Variant type: single nucleotide variant.
Coding change: c.5562G>A on transcript NM_001393769.1 (MANE Select); coding-DNA position 5562, G replaced by A.
Protein change: p.Gln1854=; no amino-acid change (glutamine 1854 retained).
Molecular consequence: synonymous variant.
Genome position (GRCh38, 1-based): chr3:151,390,089, G>A. VCF-style: chr3-151390089-G-A. GRCh37 (hg19) VCF-style: chr3-151107877-G-A.
Other names: c.5457G>A, p.Gln1819= (NM_053002.6).
Identifiers: ClinVar variation 3057605 (VCV003057605.2), dbSNP rs2474028154, ClinGen allele CA436282896.

ClinVar aggregate classification (germline): Likely benign (0 of 4 stars; one submission).

Conditions:
MED12L-related disorder. Also called: MED12L-related condition.

Allele frequency attached by ClinVar (database versions not stated): gnomAD exomes below 0.00001.
gnomAD v4.1: 1 of 1,614,106 alleles (0.000062%); highest among the groups gnomAD compares: South Asian, 0.0011%; no homozygotes.

Submission:

PreventionGenetics, part of Exact Sciences
Classification: Likely benign for MED12L-related condition. Last evaluated: 2021-07-29. Review status: no assertion criteria provided. Collection method: clinical testing. Allele origin: germline.
Comment: This variant is classified as likely benign based on ACMG/AMP sequence variant interpretation guidelines (Richards et al. 2015 PMID: 25741868, with internal and published modifications).